The following is an entry in ClinVar:

ClinVar aggregate classification (germline): Benign/Likely benign. Review status: criteria provided, multiple submitters, no conflicts (2 of 4 stars). 7 submissions from 7 submitters: Benign (3); Likely benign (3). 1 of the submissions does not count toward it. Last evaluated 2025-12-24.

Conditions:
TGM6-related disorder. Also called: TGM6-related condition.

Allele frequency attached by ClinVar (database versions not stated): gnomAD exomes 0.00015 and 0.00038; ExAC 0.00048; 1000 Genomes Project 30x 0.00156; 1000 Genomes Project 0.00160; gnomAD 0.00163 and 0.00175; TOPMed 0.00185; ESP Exome Variant Server 0.00215.
gnomAD v4.1: 483 of 1,614,224 alleles (0.03%); highest among the groups gnomAD compares: African/African-American, 0.52%; 3 homozygotes.

Submissions (7):

Labcorp Genetics (formerly Invitae), Labcorp
Classification: Benign. Last evaluated: 2025-12-24. Review status: criteria provided, single submitter. Criteria: Invitae Variant Classification Sherloc (09022015). Collection method: clinical testing. Allele origin: germline.

CeGaT Center for Human Genetics Tuebingen
Classification: Likely benign. Last evaluated: 2023-01-01. Review status: criteria provided, single submitter. Criteria: CeGaT Center For Human Genetics Tuebingen Variant Classification Criteria Version 2. Collection method: clinical testing. Allele origin: germline. Affected: yes. Observed: 1 variant allele.
Comment: TGM6: BS2

GeneDx
Classification: Benign. Last evaluated: 2021-10-26. Review status: criteria provided, single submitter. Criteria: GeneDx Variant Classification Process June 2021. Collection method: clinical testing. Allele origin: germline. Affected: yes.

Institute for Genomic Medicine (IGM) Clinical Laboratory, Nationwide Children's Hospital
Classification: Likely benign. Last evaluated: 2017-10-19. Review status: criteria provided, single submitter. Criteria: ACMG Guidelines, 2015. Collection method: clinical testing. Allele origin: germline.
Comment: BS1, BP4; This alteration has an allele frequency that is greater than expected for the associated disease, and is predicted to be tolerated by multiple functional prediction tools.

Athena Diagnostics
Classification: Benign. Last evaluated: 2016-12-08. Review status: criteria provided, single submitter. Criteria: Athena Diagnostics Criteria. Collection method: clinical testing. Allele origin: germline.

Breakthrough Genomics
Classification: Likely benign. Review status: criteria provided, single submitter. Criteria: ACMG Guidelines, 2015. Collection method: not provided. Allele origin: germline. Inheritance: Autosomal dominant inheritance. Affected: yes.

PreventionGenetics, part of Exact Sciences
Classification: Benign for TGM6-related condition. Last evaluated: 2020-07-01. Review status: no assertion criteria provided. Collection method: clinical testing. Allele origin: germline. Not counted in ClinVar's aggregate classification.
Comment: This variant is classified as benign based on ACMG/AMP sequence variant interpretation guidelines (Richards et al. 2015 PMID: 25741868, with internal and published modifications).

NM_198994.3(TGM6):c.502G>A (p.Val168Met)

Gene: TGM6 (transglutaminase 6; plus strand). Cytogenetic location: 20p13.
Variant type: single nucleotide variant.
Coding change: c.502G>A on transcript NM_198994.3 (MANE Select); coding-DNA position 502, G replaced by A.
Protein change: p.Val168Met; replaces valine 168 with methionine.
Molecular consequence: missense variant.
Genome position (GRCh38, 1-based): chr20:2,396,583, G>A. VCF-style: chr20-2396583-G-A. GRCh37 (hg19) VCF-style: chr20-2377229-G-A.
Other names: c.502G>A, p.Val168Met (NM_001254734.2); short protein forms V168M.
Identifiers: ClinVar variation 448677 (VCV000448677.41), dbSNP rs147494925, ClinGen allele CA9731677.